The following is an entry in ClinVar:

NM_001358921.2(COQ2):c.138dup (p.Ala47fs)

Genes: COQ2 (coenzyme Q2, polyprenyltransferase; minus strand), LOC112997540 (Sharpr-MPRA regulatory region 13773; plus strand). Cytogenetic location: 4q21.23.
Variant type: Duplication.
Coding change: c.138dup on transcript NM_001358921.2 (MANE Select); coding-DNA position 138, one base duplicated (C; older notation c.138dupC).
Protein change: p.Ala47fs; shifts the reading frame from alanine 47.
Molecular consequence: frameshift variant.
Genome position (GRCh38, 1-based): chr4:83,284,627, G duplicated on the plus strand (C on the coding strand, the reverse complement: COQ2 is on the minus strand); the first of 6 consecutive G bases (chr4:83,284,627-83,284,632); duplicating any one gives the same sequence. VCF-style (leftmost placement, unchanged base first): chr4-83284626-C-CG. GRCh37 (hg19) VCF-style: chr4-84205779-C-CG.
Other names: p.Ala97Argfs*56; p.(Ala47ArgfsTer56); c.288dup (NM_015697.8, NM_015697.7); c.288dup, p.Ala97fs (NM_015697.9); short protein forms A97fs, A47fs.
Identifiers: ClinVar variation 631951 (VCV000631951.21), dbSNP rs759310292, ClinGen allele CA2988678.
Genomic context (GRCh38, chr4:83,284,626, plus strand): 5'-CAGAGTCCACCACCGCCGCCGCGGACAAACTGAGCTGGCGCCCGCGCGGCTCGGGACAGG[C>CG]GGGGGGCTGCAAGTCACCACCGTGGGGCGCGCCTGCCGCACGCGCCAGGGCGAAGGAGCG-3'

ClinVar aggregate classification (germline): Conflicting classifications of pathogenicity. Review status: criteria provided, conflicting classifications (1 of 4 stars). 7 submissions from 6 submitters: Pathogenic (1); Likely pathogenic (4); Likely benign (1). 1 of the submissions does not count toward it. Last evaluated 2026-07-22.

Conditions:
Coenzyme Q10 deficiency, primary, 1. Also called: UBIQUINONE DEFICIENCY 1; COENZYME Q DEFICIENCY 1; CoQ DEFICIENCY 1. Identifiers: Orphanet 255249, MedGen C3551954, MONDO:0011829, OMIM 607426.
Multiple system atrophy 1, susceptibility to. Also called: MSA1, SUSCEPTIBILITY TO. Identifiers: MedGen C3714927, MONDO:0020715, OMIM 146500.
Multiple system atrophy (MSA). Also called: Shy-Drager syndrome. Identifiers: Orphanet 102, MedGen C0393571, MONDO:0007803.
COQ2-related disorder. Also called: COQ2-related condition.

Submissions (7):

GeneDx
Classification: Pathogenic. Last evaluated: 2026-07-22. Review status: criteria provided, single submitter. Criteria: GeneDx Variant Classification Process June 2021. Collection method: clinical testing. Allele origin: germline.
Comment: Identified with a second variant in COQ2 in patients with features of COQ2-related coenzyme Q10 deficiency in published literature (PMID: 33187544, 35483523); Frameshift variant predicted to result in protein truncation or nonsense mediated decay in a gene for which loss of function is a known mechanism of disease; This variant is associated with the following publications: (PMID: 30487145, 35483523, 38532509, 33187544)

Labcorp Genetics (formerly Invitae), Labcorp
Classification: Likely benign. Last evaluated: 2024-12-22. Review status: criteria provided, single submitter. Criteria: Invitae Variant Classification Sherloc (09022015). Collection method: clinical testing. Allele origin: germline.

Blueprint Genetics
Classification: Likely pathogenic for COQ2-related disorders. Last evaluated: 2024-05-06. Review status: criteria provided, single submitter. Criteria: ACMG Guidelines, 2015. Collection method: clinical testing. Allele origin: germline. Affected: yes. Observed: 5 variant alleles.

Mayo Clinic Laboratories, Mayo Clinic
Classification: Likely pathogenic. Last evaluated: 2024-03-20. Review status: criteria provided, single submitter. Criteria: ACMG Guidelines, 2015. Collection method: clinical testing. Allele origin: germline. Observed: 2 variant alleles.
Comment: PM2, PVS1

Fulgent Genetics
Classification: Likely pathogenic for Multiple system atrophy 1, susceptibility to; Coenzyme Q10 deficiency, primary, 1. Last evaluated: 2023-12-27. Review status: criteria provided, single submitter. Criteria: ACMG Guidelines, 2015. Collection method: clinical testing. Allele origin: germline.

Fulgent Genetics
Classification: Likely pathogenic for Multiple system atrophy 1, susceptibility to; Coenzyme Q10 deficiency, primary, 1. Last evaluated: 2021-06-30. Review status: criteria provided, single submitter. Criteria: ACMG Guidelines, 2015. Collection method: clinical testing. Allele origin: unknown.
Comment: This variant has been detected in individual(s) who were sent for testing of Renasight - kidney gene panel.

Genetic Services Laboratory, University of Chicago
Classification: Uncertain significance. Last evaluated: 2022-03-07. Review status: no assertion criteria provided. Collection method: clinical testing. Allele origin: germline. Affected: no. Not counted in ClinVar's aggregate classification.
Comment: DNA sequence analysis of the COQ2 gene demonstrated a one base pair duplication in exon 1, c.288dup. This duplication results in an amino acid frameshift and is predicted to create a premature stop codon 56 amino acids downstream of the change, p.Ala97Argfs*56. This sequence change is predicted to result in an abnormal transcript, which may be degraded, or may lead to the production of a truncated COQ2 protein with potentially abnormal function. However, there are multiple in-frame methionines in exon 1 of the COQ2 gene, and experimental studies have demonstrated that alternate methionines may be used as the initiation codon (PMID: 27493029). This sequence change has been described in the gnomAD database with a frequency of 0.37% in the Ashkenazi Jewish subpopulation (dbSNP rs759310292). This duplication has been previously described in the compound heterozygous state with a missense variant in a family of Ashkenazi Jewish ancestry with nephropathy and retinopathy, but without neurological involvement (PMID: 33187544). The functional significance of this sequence change is not known at present and its contribution to this individual's disease phenotype cannot definitively be determined.

Literature cited by the submitters: PubMed 33187544 (cited by Mayo Clinic Laboratories, Mayo Clinic); PubMed 35483523 (cited by Mayo Clinic Laboratories, Mayo Clinic).